The following is an entry in ClinVar:

NM_032340.4(UQCC2):c.138G>A (p.Gln46=)

Gene: UQCC2 (ubiquinol-cytochrome c reductase complex assembly factor 2; minus strand). Cytogenetic location: 6p21.31.
Variant type: single nucleotide variant.
Coding change: c.138G>A on transcript NM_032340.4 (MANE Select); coding-DNA position 138, G replaced by A.
Protein change: p.Gln46=; no amino-acid change (glutamine 46 retained).
Molecular consequence: synonymous variant.
Genome position (GRCh38, 1-based): chr6:33,711,549, C>T on the plus strand (G>A on the coding strand, the complement: UQCC2 is on the minus strand). VCF-style: chr6-33711549-C-T. GRCh37 (hg19) VCF-style: chr6-33679326-C-T.
Identifiers: ClinVar variation 1368816 (VCV001368816.10), dbSNP rs151298574, ClinGen allele CA3762538.

ClinVar aggregate classification (germline): Uncertain significance. Review status: criteria provided, multiple submitters, no conflicts (2 of 4 stars). 2 submissions from 2 submitters: Uncertain significance (2). Last evaluated 2024-10-15.

Conditions:
Mitochondrial complex III deficiency nuclear type 7. Identifiers: MedGen C4014408, MONDO:0014356, OMIM 615824.

Allele frequency attached by ClinVar (database versions not stated): gnomAD exomes 0.00003; ExAC 0.00005; gnomAD 0.00005 and 0.00006; ESP Exome Variant Server 0.00008.
gnomAD v4.1: 41 of 1,602,400 alleles (0.0026%); highest among the groups gnomAD compares: Non-Finnish European, 0.0031%; no homozygotes.

Submissions (2):

Labcorp Genetics (formerly Invitae), Labcorp
Classification: Uncertain significance. Last evaluated: 2024-10-15. Review status: criteria provided, single submitter. Criteria: Invitae Variant Classification Sherloc (09022015). Collection method: clinical testing. Allele origin: germline.
Comment: This sequence change affects codon 46 of the UQCC2 mRNA. It is a 'silent' change, meaning that it does not change the encoded amino acid sequence of the UQCC2 protein. This variant also falls at the last nucleotide of exon 1, which is part of the consensus splice site for this exon. This variant is present in population databases (rs151298574, gnomAD 0.006%). This variant has not been reported in the literature in individuals affected with UQCC2-related conditions. ClinVar contains an entry for this variant (Variation ID: 1368816). Variants that disrupt the consensus splice site are a relatively common cause of aberrant splicing (PMID: 17576681, 9536098). Algorithms developed to predict the effect of sequence changes on RNA splicing suggest that this variant may disrupt the consensus splice site. In summary, the available evidence is currently insufficient to determine the role of this variant in disease. Therefore, it has been classified as a Variant of Uncertain Significance.

Fulgent Genetics
Classification: Uncertain significance for Mitochondrial complex III deficiency nuclear type 7. Last evaluated: 2024-03-19. Review status: criteria provided, single submitter. Criteria: ACMG Guidelines, 2015. Collection method: clinical testing. Allele origin: germline.

Literature cited by the submitters: PubMed 17576681 (cited by Labcorp Genetics (formerly Invitae), Labcorp); PubMed 9536098 (cited by Labcorp Genetics (formerly Invitae), Labcorp).